The following is an entry in ClinVar:

NM_001365480.1(CCDC88A):c.1963T>C (p.Cys655Arg)

Gene: CCDC88A (coiled-coil and HOOK domain protein 88A; minus strand). Cytogenetic location: 2p16.1.
Variant type: single nucleotide variant.
Coding change: c.1963T>C on transcript NM_001365480.1 (MANE Select); coding-DNA position 1963, T replaced by C.
Protein change: p.Cys655Arg; replaces cysteine 655 with arginine.
Molecular consequence: missense variant.
Genome position (GRCh38, 1-based): chr2:55,334,858, A>G on the plus strand (T>C on the coding strand, the complement: CCDC88A is on the minus strand). VCF-style: chr2-55334858-A-G. GRCh37 (hg19) VCF-style: chr2-55561994-A-G.
Other names: c.1963T>C, p.Cys655Arg (NM_001135597.2, NM_001254943.2, NM_018084.5); short protein forms C655R.
Identifiers: ClinVar variation 2003313 (VCV002003313.4), dbSNP rs2544836835, ClinGen allele CA346901388.

ClinVar aggregate classification (germline): Uncertain significance (1 of 4 stars; one submission).

Submission:

Labcorp Genetics (formerly Invitae), Labcorp
Classification: Uncertain significance. Last evaluated: 2022-08-23. Review status: criteria provided, single submitter. Criteria: Invitae Variant Classification Sherloc (09022015). Collection method: clinical testing. Allele origin: germline.
Comment: This variant is not present in population databases (gnomAD no frequency). In summary, the available evidence is currently insufficient to determine the role of this variant in disease. Therefore, it has been classified as a Variant of Uncertain Significance. Algorithms developed to predict the effect of missense changes on protein structure and function are either unavailable or do not agree on the potential impact of this missense change (SIFT: "Deleterious"; PolyPhen-2: "Probably Damaging"; Align-GVGD: "Class C0"). This variant has not been reported in the literature in individuals affected with CCDC88A-related conditions. This sequence change replaces cysteine, which is neutral and slightly polar, with arginine, which is basic and polar, at codon 655 of the CCDC88A protein (p.Cys655Arg).